The following is an entry in ClinVar:

NM_005629.4(SLC6A8):c.491C>T (p.Thr164Ile)

Gene: SLC6A8 (solute carrier family 6 member 8; plus strand). Cytogenetic location: Xq28.
Variant type: single nucleotide variant.
Coding change: c.491C>T on transcript NM_005629.4 (MANE Select); coding-DNA position 491, C replaced by T.
Protein change: p.Thr164Ile; replaces threonine 164 with isoleucine.
Molecular consequence: missense variant.
Genome position (GRCh38, 1-based): chrX:153,691,400, C>T. VCF-style: chrX-153691400-C-T. GRCh37 (hg19) VCF-style: chrX-152956855-C-T.
Other names: c.491C>T, p.Thr164Ile (NM_001142805.2); c.146C>T, p.Thr49Ile (NM_001142806.1); short protein forms T164I, T49I.
Identifiers: ClinVar variation 2663347 (VCV002663347.1), dbSNP rs2522155968, ClinGen allele CA415078807.

ClinVar aggregate classification (germline): Uncertain significance (1 of 4 stars; one submission).

Submission:

GeneDx
Classification: Uncertain significance. Last evaluated: 2023-04-03. Review status: criteria provided, single submitter. Criteria: GeneDx Variant Classification Process June 2021. Collection method: clinical testing. Allele origin: germline. Affected: yes.
Comment: Not observed at significant frequency in large population cohorts (gnomAD); In silico analysis supports that this missense variant has a deleterious effect on protein structure/function; Has not been previously published as pathogenic or benign to our knowledge